The following is an entry in ClinVar:

NM_001048174.2(MUTYH):c.987C>G (p.Asn329Lys)

Gene: MUTYH (mutY DNA glycosylase; minus strand). Cytogenetic location: 1p34.1.
Variant type: single nucleotide variant.
Coding change: c.987C>G on transcript NM_001048174.2 (MANE Select); coding-DNA position 987, C replaced by G.
Protein change: p.Asn329Lys; replaces asparagine 329 with lysine.
Molecular consequence: missense variant. On other transcripts: non-coding transcript variant (7).
Genome position (GRCh38, 1-based): chr1:45,331,776, G>C on the plus strand (C>G on the coding strand, the complement: MUTYH is on the minus strand). VCF-style: chr1-45331776-G-C. GRCh37 (hg19) VCF-style: chr1-45797448-G-C.
Other names: c.990C>G, p.Asn330Lys (NM_001048172.2, NM_001407071.1, NM_001407078.1 and 1 more transcripts); c.987C>G, p.Asn329Lys (NM_001048171.2, NM_001048173.2, NM_001293195.2 and 6 more transcripts); c.711C>G, p.Asn237Lys (NM_001293196.2, NM_001407091.1, NM_001293192.2); c.642C>G, p.Asn214Lys (NM_001350650.2, NM_001350651.2, NM_001407082.1); c.1020C>G, p.Asn340Lys (NM_001407069.1, NM_001293191.2, NM_001407077.1); c.1008C>G, p.Asn336Lys (NM_001407087.1); c.1062C>G, p.Asn354Lys (NM_012222.3); c.1071C>G, p.Asn357Lys (NM_001128425.2); and 5 more; short protein forms N330K, N344K, N354K, N214K, N237K, N336K, N301K, N315K.
Identifiers: ClinVar variation 4112981 (VCV004112981.1).

ClinVar aggregate classification (germline): Uncertain significance (1 of 4 stars; one submission).

Conditions:
Hereditary cancer-predisposing syndrome. Also called: Tumor predisposition; Neoplastic Syndromes, Hereditary; Hereditary neoplastic syndrome; Hereditary Cancer Syndrome. Identifiers: Orphanet 140162, MedGen C0027672, MeSH D009386, MONDO:0015356.

Submission:

Ambry Genetics
Classification: Uncertain significance for Hereditary cancer-predisposing syndrome. Last evaluated: 2025-08-27. Review status: criteria provided, single submitter. Criteria: Ambry Variant Classification Scheme 2023. Collection method: clinical testing. Allele origin: germline.
Comment: The p.N357K variant (also known as c.1071C>G), located in coding exon 12 of the MUTYH gene, results from a C to G substitution at nucleotide position 1071. The asparagine at codon 357 is replaced by lysine, an amino acid with similar properties. This amino acid position is conserved. In addition, this alteration is predicted to be tolerated by in silico analysis. Based on the available evidence, the clinical significance of this variant remains unclear.